The following is an entry in ClinVar:

ClinVar aggregate classification (germline): Likely pathogenic (1 of 4 stars; one submission).

Conditions:
CHD7-related disorder. Also called: CHD7-related condition.

Submission:

PreventionGenetics, part of Exact Sciences
Classification: Likely pathogenic for CHD7-related condition. Last evaluated: 2025-03-24. Review status: criteria provided, single submitter. Criteria: ACMG Guidelines, 2015. Collection method: clinical testing. Allele origin: germline.
Comment: The CHD7 c.7426_7427dupGA variant is predicted to result in a frameshift and premature protein termination (p.Asp2476Glufs*28). To our knowledge, this variant has not been reported in the literature or in a large population database (gnomAD), indicating this variant is rare. Frameshift variants in CHD7 are expected to be pathogenic. This variant is interpreted as likely pathogenic.

NM_017780.4(CHD7):c.7426_7427dup (p.Asp2476fs)

Gene: CHD7 (chromodomain helicase DNA binding protein 7; plus strand). Cytogenetic location: 8q12.2.
Variant type: Duplication.
Coding change: c.7426_7427dup on transcript NM_017780.4 (MANE Select); coding-DNA positions 7426 to 7427, 2 bases duplicated (GA; older notation c.7426_7427dupGA).
Protein change: p.Asp2476fs; shifts the reading frame from aspartic acid 2476.
Molecular consequence: frameshift variant. On other transcripts: intron variant (1).
Genome position (GRCh38, 1-based): chr8:60,856,706-60,856,707, GA duplicated. VCF-style (leftmost placement, unchanged base first): chr8-60856705-T-TGA. GRCh37 (hg19) VCF-style: chr8-61769264-T-TGA.
Other names: c.1717-5523_1717-5522dup (NM_001316690.1); short protein forms D2476fs.
Identifiers: ClinVar variation 4999117 (VCV004999117.1).